The following is an entry in ClinVar:

NM_003978.5(PSTPIP1):c.797A>C (p.Asp266Ala)

Gene: PSTPIP1 (proline-serine-threonine phosphatase interacting protein 1; plus strand). Cytogenetic location: 15q24.3.
Variant type: single nucleotide variant.
Coding change: c.797A>C on transcript NM_003978.5 (MANE Select); coding-DNA position 797, A replaced by C.
Protein change: p.Asp266Ala; replaces aspartic acid 266 with alanine.
Molecular consequence: missense variant.
Genome position (GRCh38, 1-based): chr15:77,032,353, A>C. VCF-style: chr15-77032353-A-C. GRCh37 (hg19) VCF-style: chr15-77324694-A-C.
Other names: c.797A>C, p.Asp266Ala (NM_001321135.2, NM_001411086.1); c.770A>C, p.Asp257Ala (NM_001321136.2); c.992A>C, p.Asp331Ala (NM_001321137.1); short protein forms D266A, D257A, D331A.
Identifiers: ClinVar variation 2812950 (VCV002812950.3), dbSNP rs1333618864, ClinGen allele CA393521149.

ClinVar aggregate classification (germline): Uncertain significance (1 of 4 stars; one submission).

Conditions:
Pyogenic arthritis-pyoderma gangrenosum-acne syndrome (PAPA). Also called: FAMILIAL RECURRENT ARTHRITIS; PAPA SYNDROME. Identifiers: Orphanet 69126, MedGen C1858361, MONDO:0011462, OMIM 604416.

Allele frequency attached by ClinVar (database versions not stated): gnomAD exomes below 0.00001.
gnomAD v4.1: 2 of 1,612,672 alleles (0.00012%); highest among the groups gnomAD compares: Non-Finnish European, 0.00017%; no homozygotes.

Submission:

Labcorp Genetics (formerly Invitae), Labcorp
Classification: Uncertain significance for Pyogenic arthritis-pyoderma gangrenosum-acne syndrome. Last evaluated: 2022-11-08. Review status: criteria provided, single submitter. Criteria: Invitae Variant Classification Sherloc (09022015). Collection method: clinical testing. Allele origin: germline.
Comment: In summary, the available evidence is currently insufficient to determine the role of this variant in disease. Therefore, it has been classified as a Variant of Uncertain Significance. Advanced modeling of protein sequence and biophysical properties (such as structural, functional, and spatial information, amino acid conservation, physicochemical variation, residue mobility, and thermodynamic stability) performed at Invitae indicates that this missense variant is not expected to disrupt PSTPIP1 protein function. This variant has not been reported in the literature in individuals affected with PSTPIP1-related conditions. This variant is not present in population databases (gnomAD no frequency). This sequence change replaces aspartic acid, which is acidic and polar, with alanine, which is neutral and non-polar, at codon 266 of the PSTPIP1 protein (p.Asp266Ala).